The following is an entry in ClinVar:

ClinVar aggregate classification (germline): Likely pathogenic (1 of 4 stars; one submission).

Conditions:
Glycogen storage disease IXd (GSD9D). Also called: GSD IXd; Muscle Phosphorylase Kinase Deficiency. Identifiers: Orphanet 715, MedGen C1845151, MONDO:0010362, OMIM 300559.

Submission:

Juno Genomics, Hangzhou Juno Genomics, Inc
Classification: Likely pathogenic for Glycogen storage disease IXd. Review status: criteria provided, single submitter. Criteria: ACMG Guidelines, 2015. Collection method: clinical testing. Allele origin: germline.
Comment: Absent from controls (or at extremely low frequency if recessive) in Genome Aggregation Database.;Null variant in a gene where loss of function (LOF) is a known mechanism of disease.

NM_002637.4(PHKA1):c.3033+2T>C

Gene: PHKA1 (phosphorylase kinase regulatory subunit alpha 1; minus strand). Cytogenetic location: Xq13.1.
Variant type: single nucleotide variant.
Coding change: c.3033+2T>C on transcript NM_002637.4 (MANE Select); the canonical splice donor site of the intron after coding-DNA position 3033, T replaced by C.
Molecular consequence: splice donor variant.
Genome position (GRCh38, 1-based): chrX:72,602,156, A>G on the plus strand (T>C on the coding strand, the complement: PHKA1 is on the minus strand). VCF-style: chrX-72602156-A-G. GRCh37 (hg19) VCF-style: chrX-71822006-A-G.
Other names: c.2856+2T>C (NM_001440788.1, NM_001172436.2); c.3033+2T>C (NM_001440787.1, NM_001122670.2, NM_001431068.1).
Identifiers: ClinVar variation 5018825 (VCV005018825.2).